The following is an entry in ClinVar:

NM_001556.3(IKBKB):c.164G>A (p.Arg55Gln)

Gene: IKBKB (inhibitor of nuclear factor kappa B kinase subunit beta; plus strand). Cytogenetic location: 8p11.21.
Variant type: single nucleotide variant.
Coding change: c.164G>A on transcript NM_001556.3 (MANE Select); coding-DNA position 164, G replaced by A.
Protein change: p.Arg55Gln; replaces arginine 55 with glutamine.
Molecular consequence: missense variant. On other transcripts: intron variant (1), 5 prime UTR variant (1), non-coding transcript variant (3).
Genome position (GRCh38, 1-based): chr8:42,288,692, G>A. VCF-style: chr8-42288692-G-A. GRCh37 (hg19) VCF-style: chr8-42146210-G-A.
Other names: c.24-1464G>A (NM_001242778.2); c.-29G>A (NM_001190720.3); short protein forms R55Q.
Identifiers: ClinVar variation 4775745 (VCV004775745.1).

ClinVar aggregate classification (germline): Uncertain significance (1 of 4 stars; one submission).

Conditions:
Severe combined immunodeficiency due to IKK2 deficiency. Also called: IMMUNODEFICIENCY 15B; Immunodeficiency 15. Identifiers: Orphanet 397787, MedGen C4747743, MONDO:0014267, OMIM 615592.

gnomAD v4.1: 15 of 1,611,338 alleles (0.00093%); highest among the groups gnomAD compares: Non-Finnish European, 0.0013%; no homozygotes.

Submission:

Labcorp Genetics (formerly Invitae), Labcorp
Classification: Uncertain significance for Severe combined immunodeficiency due to IKK2 deficiency. Last evaluated: 2025-03-05. Review status: criteria provided, single submitter. Criteria: Invitae Variant Classification Sherloc (09022015). Collection method: clinical testing. Allele origin: germline.
Comment: This sequence change replaces arginine, which is basic and polar, with glutamine, which is neutral and polar, at codon 55 of the IKBKB protein (p.Arg55Gln). This variant is not present in population databases (gnomAD no frequency). This variant has not been reported in the literature in individuals affected with IKBKB-related conditions. Invitae Evidence Modeling of protein sequence and biophysical properties (such as structural, functional, and spatial information, amino acid conservation, physicochemical variation, residue mobility, and thermodynamic stability) indicates that this missense variant is not expected to disrupt IKBKB protein function with a negative predictive value of 95%. In summary, the available evidence is currently insufficient to determine the role of this variant in disease. Therefore, it has been classified as a Variant of Uncertain Significance.